The following is an entry in ClinVar:

NM_004699.4(FAM50A):c.511G>A (p.Asp171Asn)

Gene: FAM50A (family with sequence similarity 50 member A; plus strand). Cytogenetic location: Xq28.
Variant type: single nucleotide variant.
Coding change: c.511G>A on transcript NM_004699.4 (MANE Select); coding-DNA position 511, G replaced by A.
Protein change: p.Asp171Asn; replaces aspartic acid 171 with asparagine.
Molecular consequence: missense variant.
Genome position (GRCh38, 1-based): chrX:154,448,552, G>A. VCF-style: chrX-154448552-G-A. GRCh37 (hg19) VCF-style: chrX-153676900-G-A.
Other names: short protein forms D171N.
Identifiers: ClinVar variation 1700884 (VCV001700884.2), dbSNP rs2148233101, ClinGen allele CA415216720.

ClinVar aggregate classification (germline): Uncertain significance (1 of 4 stars; one submission).

Submission:

GeneDx
Classification: Uncertain significance. Last evaluated: 2022-02-15. Review status: criteria provided, single submitter. Criteria: GeneDx Variant Classification Process June 2021. Collection method: clinical testing. Allele origin: germline. Affected: yes.
Comment: In silico analysis supports that this missense variant has a deleterious effect on protein structure/function; Not observed at significant frequency in large population cohorts (gnomAD); Has not been previously published as pathogenic or benign to our knowledge